The following is an entry in ClinVar:

NM_000179.3(MSH6):c.2445T>G (p.Leu815=)

Gene: MSH6 (mutS homolog 6; plus strand). Cytogenetic location: 2p16.3.
Variant type: single nucleotide variant.
Coding change: c.2445T>G on transcript NM_000179.3 (MANE Select); coding-DNA position 2445, T replaced by G.
Protein change: p.Leu815=; no amino-acid change (leucine 815 retained).
Molecular consequence: synonymous variant.
Genome position (GRCh38, 1-based): chr2:47,800,428, T>G. VCF-style: chr2-47800428-T-G. GRCh37 (hg19) VCF-style: chr2-48027567-T-G.
Other names: c.2055T>G, p.Leu685= (NM_001281492.2); c.1539T>G, p.Leu513= (NM_001281493.2, NM_001281494.2).
Identifiers: ClinVar variation 428392 (VCV000428392.14), dbSNP rs1114167764, ClinGen allele CA426121898.

ClinVar aggregate classification (germline): Benign/Likely benign. Review status: criteria provided, multiple submitters, no conflicts (2 of 4 stars). 3 submissions from 3 submitters: Benign (1); Likely benign (2). Last evaluated 2024-12-31.

Conditions:
Hereditary cancer-predisposing syndrome. Also called: Hereditary Cancer Syndrome; Neoplastic Syndromes, Hereditary; Hereditary neoplastic syndrome; Tumor predisposition. Identifiers: Orphanet 140162, MedGen C0027672, MeSH D009386, MONDO:0015356.
Lynch syndrome 5 (LYNCH5). Also called: Hereditary non-polyposis colorectal cancer, type 5; Colorectal cancer, hereditary nonpolyposis, type 5. Identifiers: Orphanet 144, MedGen C1833477, MONDO:0013710, OMIM 614350. Disease mechanism: loss of function.
Hereditary nonpolyposis colorectal neoplasms. Identifiers: MedGen C0009405, MeSH D003123.

Allele frequency attached by ClinVar (database versions not stated): gnomAD exomes below 0.00001.
gnomAD v4.1: 1 of 1,614,058 alleles (0.000062%); highest among the groups gnomAD compares: Non-Finnish European, 0.000085%; no homozygotes.

Submissions (3):

Myriad Genetics, Inc.
Classification: Benign for Lynch syndrome 5. Last evaluated: 2024-12-31. Review status: criteria provided, single submitter. Criteria: Myriad Autosomal Dominant, Autosomal Recessive and X-Linked Classification Criteria (2023). Collection method: clinical testing. Allele origin: unknown.
Comment: This variant is considered benign. This variant is a silent/synonymous amino acid change and it is not expected to impact splicing.

Labcorp Genetics (formerly Invitae), Labcorp
Classification: Likely benign for Hereditary nonpolyposis colorectal neoplasms. Last evaluated: 2023-06-21. Review status: criteria provided, single submitter. Criteria: Invitae Variant Classification Sherloc (09022015). Collection method: clinical testing. Allele origin: germline.

Ambry Genetics
Classification: Likely benign for Hereditary cancer-predisposing syndrome. Last evaluated: 2015-08-30. Review status: criteria provided, single submitter. Criteria: Ambry Variant Classification Scheme 2023. Collection method: clinical testing. Allele origin: germline.